The following is an entry in ClinVar:

ClinVar aggregate classification (germline): Uncertain significance. Review status: criteria provided, multiple submitters, no conflicts (2 of 4 stars). 3 submissions from 3 submitters: Uncertain significance (3). Last evaluated 2025-09-12.

Conditions:
Hennekam lymphangiectasia-lymphedema syndrome 2 (HKLLS2). Identifiers: Orphanet 2136, MedGen C4014939, MONDO:0014454, OMIM 616006.

Allele frequency attached by ClinVar (database versions not stated): gnomAD 0.00001; gnomAD exomes 0.00001; ExAC 0.00002; TOPMed 0.00005.
gnomAD v4.1: 14 of 1,614,042 alleles (0.00087%); highest among the groups gnomAD compares: Admixed American, 0.0017%; no homozygotes.

Submissions (3):

GeneDx
Classification: Uncertain significance. Last evaluated: 2025-09-12. Review status: criteria provided, single submitter. Criteria: GeneDx Variant Classification Process June 2021. Collection method: clinical testing. Allele origin: germline.
Comment: Observed in a patient from a cohort of patients with acute myeloid leukemia who underwent exome sequencing (PMID: 34482403); Not observed at significant frequency in large population cohorts (gnomAD); In silico analysis supports that this missense variant has a deleterious effect on protein structure/function; This variant is associated with the following publications: (PMID: 34482403)

Labcorp Genetics (formerly Invitae), Labcorp
Classification: Uncertain significance. Last evaluated: 2024-12-02. Review status: criteria provided, single submitter. Criteria: Invitae Variant Classification Sherloc (09022015). Collection method: clinical testing. Allele origin: germline.
Comment: This sequence change replaces histidine, which is basic and polar, with tyrosine, which is neutral and polar, at codon 3690 of the FAT4 protein (p.His3690Tyr). This variant is present in population databases (rs749981245, gnomAD 0.003%). This variant has not been reported in the literature in individuals affected with FAT4-related conditions. ClinVar contains an entry for this variant (Variation ID: 2177175). An algorithm developed to predict the effect of missense changes on protein structure and function (PolyPhen-2) suggests that this variant is likely to be disruptive. In summary, the available evidence is currently insufficient to determine the role of this variant in disease. Therefore, it has been classified as a Variant of Uncertain Significance.

Clinical Genomics Laboratory, Washington University in St. Louis
Classification: Uncertain significance for Hennekam lymphangiectasia-lymphedema syndrome 2. Last evaluated: 2024-04-13. Review status: criteria provided, single submitter. Criteria: ACMG Guidelines, 2015. Collection method: clinical testing. Allele origin: germline.
Comment: The FAT4 c.11074C>T (p.His3692Tyr) variant was identified at a near heterozygous allelic fraction of 49%, a frequency which may be consistent with it being of germline origin. The variant has been reported in the literature in a germline state in a patient with AML (Yang, Fei et al., PMID: 34482403). It is only observed on 14/1,614,042 alleles in the general population (gnomAD v.4.0.0), indicating that it is not a common variant. This variant has been reported in the ClinVar database as a variant of uncertain significance by one submitter (ClinVar ID: 2177175). Computational predictors are uncertain as to the impact of this variant on FAT4 function. Due to limited information, and based on ACMG/AMP guidelines for variant interpretation (Richards S et al., PMID: 25741868), the clinical significance of this variant is uncertain at this time.

NM_001291303.3(FAT4):c.11074C>T (p.His3692Tyr)

Gene: FAT4 (FAT atypical cadherin 4; plus strand). Cytogenetic location: 4q28.1.
Variant type: single nucleotide variant.
Coding change: c.11074C>T on transcript NM_001291303.3 (MANE Select); coding-DNA position 11074, C replaced by T.
Protein change: p.His3692Tyr; replaces histidine 3692 with tyrosine.
Molecular consequence: missense variant.
Genome position (GRCh38, 1-based): chr4:125,452,084, C>T. VCF-style: chr4-125452084-C-T. GRCh37 (hg19) VCF-style: chr4-126373239-C-T.
Other names: c.11074C>T, p.His3692Tyr (NM_001291285.3); c.11068C>T, p.His3690Tyr (NM_024582.6); c.11068C>T (NM_024582.4); short protein forms H3690Y, H3692Y.
Identifiers: ClinVar variation 2177175 (VCV002177175.5), dbSNP rs749981245, ClinGen allele CA3073779.